The following is an entry in ClinVar:

ClinVar aggregate classification (germline): Uncertain significance (1 of 4 stars; one submission).

Allele frequency attached by ClinVar (database versions not stated): gnomAD exomes below 0.00001 and 0.00001; gnomAD 0.00001; TOPMed 0.00001.
gnomAD v4.1: 10 of 1,609,012 alleles (0.00062%); highest among the groups gnomAD compares: Non-Finnish European, 0.00085%; no homozygotes.

Submission:

Labcorp Genetics (formerly Invitae), Labcorp
Classification: Uncertain significance. Last evaluated: 2019-06-12. Review status: criteria provided, single submitter. Criteria: Invitae Variant Classification Sherloc (09022015). Collection method: clinical testing. Allele origin: germline.
Comment: This variant has not been reported in the literature in individuals with SZT2-related conditions. This variant is not present in population databases (ExAC no frequency). This sequence change replaces glutamine with glutamic acid at codon 1764 of the SZT2 protein (p.Gln1764Glu). The glutamine residue is highly conserved and there is a small physicochemical difference between glutamine and glutamic acid. Algorithms developed to predict the effect of missense changes on protein structure and function (SIFT, PolyPhen-2, Align-GVGD) all suggest that this variant is likely to be tolerated, but these predictions have not been confirmed by published functional studies and their clinical significance is uncertain. In summary, the available evidence is currently insufficient to determine the role of this variant in disease. Therefore, it has been classified as a Variant of Uncertain Significance.

NM_001365999.1(SZT2):c.5461C>G (p.Gln1821Glu)

Gene: SZT2 (SZT2 subunit of KICSTOR complex; plus strand). Cytogenetic location: 1p34.2.
Variant type: single nucleotide variant.
Coding change: c.5461C>G on transcript NM_001365999.1 (MANE Select); coding-DNA position 5461, C replaced by G.
Protein change: p.Gln1821Glu; replaces glutamine 1821 with glutamic acid.
Molecular consequence: missense variant.
Genome position (GRCh38, 1-based): chr1:43,432,535, C>G. VCF-style: chr1-43432535-C-G. GRCh37 (hg19) VCF-style: chr1-43898206-C-G.
Other names: c.5290C>G, p.Gln1764Glu (NM_015284.4); short protein forms Q1764E, Q1821E.
Identifiers: ClinVar variation 936496 (VCV000936496.9), dbSNP rs1013667523, ClinGen allele CA21638716.